The following is an entry in ClinVar:

ClinVar aggregate classification (germline): Uncertain significance. Review status: criteria provided, multiple submitters, no conflicts (2 of 4 stars). 2 submissions from 2 submitters: Uncertain significance (2). Last evaluated 2024-11-04.

Conditions:
Nemaline myopathy 2 (NEM2). Also called: Nemaline myopathy 2, autosomal recessive. Identifiers: MedGen C1850569, MONDO:0009725, OMIM 256030.

Allele frequency attached by ClinVar (database versions not stated): TOPMed below 0.00001; ExAC 0.00001; gnomAD 0.00001; gnomAD exomes 0.00003.
gnomAD v4.1: 46 of 1,613,748 alleles (0.0029%); highest among the groups gnomAD compares: Non-Finnish European, 0.0038%; no homozygotes.

Submissions (2):

Labcorp Genetics (formerly Invitae), Labcorp
Classification: Uncertain significance for Nemaline myopathy 2. Last evaluated: 2024-11-04. Review status: criteria provided, single submitter. Criteria: Invitae Variant Classification Sherloc (09022015). Collection method: clinical testing. Allele origin: germline.
Comment: This sequence change replaces aspartic acid, which is acidic and polar, with glycine, which is neutral and non-polar, at codon 3125 of the NEB protein (p.Asp3125Gly). This variant is present in population databases (rs779720220, gnomAD 0.002%). This variant has not been reported in the literature in individuals affected with NEB-related conditions. ClinVar contains an entry for this variant (Variation ID: 2199083). Experimental studies and prediction algorithms are not available or were not evaluated, and the functional significance of this variant is currently unknown. In summary, the available evidence is currently insufficient to determine the role of this variant in disease. Therefore, it has been classified as a Variant of Uncertain Significance.

Revvity Omics, Revvity
Classification: Uncertain significance. Last evaluated: 2020-03-09. Review status: criteria provided, single submitter. Criteria: ACMG Guidelines, 2015. Collection method: clinical testing. Allele origin: germline.

NM_001164508.2(NEB):c.9374A>G (p.Asp3125Gly)

Gene: NEB (nebulin; minus strand). Cytogenetic location: 2q23.3.
Variant type: single nucleotide variant.
Coding change: c.9374A>G on transcript NM_001164508.2 (MANE Select); coding-DNA position 9374, A replaced by G.
Protein change: p.Asp3125Gly; replaces aspartic acid 3125 with glycine.
Molecular consequence: missense variant. On other transcripts: intron variant (1).
Genome position (GRCh38, 1-based): chr2:151,633,694, T>C on the plus strand (A>G on the coding strand, the complement: NEB is on the minus strand). VCF-style: chr2-151633694-T-C. GRCh37 (hg19) VCF-style: chr2-152490208-T-C.
Other names: c.9374A>G, p.Asp3125Gly (NM_001164507.2, NM_001271208.2); c.8854-2516A>G (NM_004543.5); short protein forms D3125G.
Identifiers: ClinVar variation 2199083 (VCV002199083.5), dbSNP rs779720220, ClinGen allele CA1909340.
Genomic context (GRCh38, chr2:151,633,694, plus strand): 5'-TTTATAGATGCTGTACTCACGTCACTCTGGAGGTCATAGGCCTGCCGAGCATGGATGACA[T>C]CGCTCTGGTCAGGCAGGCATGTCCACTCGTGCAGGTAGTTCTTATAGTCCACGTCACTGA-3'
Protein context (NP_001157980.2, residues 3115-3135): HEWTCLPDQS[Asp3125Gly]VIHARQAYDL